The following is an entry in ClinVar:

NM_000179.3(MSH6):c.2866_2869del (p.Glu956fs)

Gene: MSH6 (mutS homolog 6; plus strand). Cytogenetic location: 2p16.3.
Variant type: Deletion.
Coding change: c.2866_2869del on transcript NM_000179.3 (MANE Select); coding-DNA positions 2866 to 2869, 4 bases deleted (GAGA; older notation c.2866_2869delGAGA).
Protein change: p.Glu956fs; shifts the reading frame from glutamic acid 956.
Molecular consequence: frameshift variant. On other transcripts: non-coding transcript variant (5), intron variant (2).
Genome position (GRCh38, 1-based): chr2:47,800,849-47,800,852, GAGA deleted; deleting any 4 consecutive bases within chr2:47,800,848-47,800,852 gives the same sequence; the c. name uses the placement nearest the transcript's 3' end. VCF-style (leftmost placement, unchanged base first): chr2-47800847-TAGAG-T. GRCh37 (hg19) VCF-style: chr2-48027986-TAGAG-T.
Other names: c.2476_2479del, p.Glu826fs (NM_001281492.2); c.1960_1963del, p.Glu654fs (NM_001281493.2, NM_001281494.2, NM_001406811.1 and 6 more transcripts); c.2962_2965del, p.Glu988fs (NM_001406795.1, NM_001406802.1); c.2866_2869del, p.Glu956fs (NM_001406796.1, NM_001406798.1, NM_001406800.1 and 2 more transcripts); c.2569_2572del, p.Glu857fs (NM_001406797.1, NM_001406801.1, NM_001406805.1 and 10 more transcripts); c.2341_2344del, p.Glu781fs (NM_001406799.1, NM_001406806.1, NM_001406807.1); c.2788_2791del, p.Glu930fs (NM_001406804.1); c.2872_2875del, p.Glu958fs (NM_001406813.1); and 4 more; short protein forms E271fs, E781fs, E930fs, E857fs, E900fs, E956fs, E958fs, E654fs.
Identifiers: ClinVar variation 2698195 (VCV002698195.3), dbSNP rs2530698414, ClinGen allele CA2697548134.

ClinVar aggregate classification (germline): Pathogenic (1 of 4 stars; one submission).

Conditions:
Hereditary nonpolyposis colorectal neoplasms. Identifiers: MedGen C0009405, MeSH D003123.

Submission:

Labcorp Genetics (formerly Invitae), Labcorp
Classification: Pathogenic for Hereditary nonpolyposis colorectal neoplasms. Last evaluated: 2023-11-23. Review status: criteria provided, single submitter. Criteria: Invitae Variant Classification Sherloc (09022015). Collection method: clinical testing. Allele origin: germline.
Comment: This sequence change creates a premature translational stop signal (p.Glu956Asnfs*11) in the MSH6 gene. It is expected to result in an absent or disrupted protein product. Loss-of-function variants in MSH6 are known to be pathogenic (PMID: 18269114, 24362816). This variant is not present in population databases (gnomAD no frequency). This variant has not been reported in the literature in individuals affected with MSH6-related conditions. For these reasons, this variant has been classified as Pathogenic.

Literature cited by the submitters: PubMed 18269114; PubMed 24362816.